The following is an entry in ClinVar:

ClinVar aggregate classification (germline): Uncertain significance. Review status: criteria provided, multiple submitters, no conflicts (2 of 4 stars). 2 submissions from 2 submitters: Uncertain significance (2). Last evaluated 2022-11-20.

Conditions:
Hereditary breast ovarian cancer syndrome. Also called: Hereditary breast and/or ovarian cancer syndrome; BRCA1- and BRCA2-Associated Hereditary Breast and Ovarian Cancer; Hereditary breast and ovarian cancer syndrome; Hereditary breast and ovarian cancer; Hereditary breast and ovarian cancer syndrome (HBOC); Breast and ovarian cancer. Identifiers: Orphanet 145, MedGen C0677776, MeSH D061325, MONDO:0003582. Disease mechanism: loss of function.
Hereditary cancer-predisposing syndrome. Also called: Neoplastic Syndromes, Hereditary; Tumor predisposition; Hereditary neoplastic syndrome; Hereditary Cancer Syndrome. Identifiers: Orphanet 140162, MedGen C0027672, MeSH D009386, MONDO:0015356.

Submissions (2):

Labcorp Genetics (formerly Invitae), Labcorp
Classification: Uncertain significance for Hereditary breast ovarian cancer syndrome. Last evaluated: 2022-11-20. Review status: criteria provided, single submitter. Criteria: Invitae Variant Classification Sherloc (09022015). Collection method: clinical testing. Allele origin: germline.
Comment: In summary, the available evidence is currently insufficient to determine the role of this variant in disease. Therefore, it has been classified as a Variant of Uncertain Significance. Advanced modeling of protein sequence and biophysical properties (such as structural, functional, and spatial information, amino acid conservation, physicochemical variation, residue mobility, and thermodynamic stability) performed at Invitae indicates that this missense variant is not expected to disrupt BRCA2 protein function. This variant has not been reported in the literature in individuals affected with BRCA2-related conditions. This variant is not present in population databases (gnomAD no frequency). This sequence change replaces alanine, which is neutral and non-polar, with aspartic acid, which is acidic and polar, at codon 902 of the BRCA2 protein (p.Ala902Asp).

Ambry Genetics
Classification: Uncertain significance for Hereditary cancer-predisposing syndrome. Last evaluated: 2022-11-09. Review status: criteria provided, single submitter. Criteria: Ambry Variant Classification Scheme 2023. Collection method: clinical testing. Allele origin: germline.
Comment: The p.A902D variant (also known as c.2705C>A), located in coding exon 10 of the BRCA2 gene, results from a C to A substitution at nucleotide position 2705. The alanine at codon 902 is replaced by aspartic acid, an amino acid with dissimilar properties. This amino acid position is conserved. In addition, this alteration is predicted to be tolerated by in silico analysis. Since supporting evidence is limited at this time, the clinical significance of this alteration remains unclear.

NM_000059.4(BRCA2):c.2705C>A (p.Ala902Asp)

Gene: BRCA2 (BRCA2 DNA repair associated; plus strand). Cytogenetic location: 13q13.1.
Variant type: single nucleotide variant.
Coding change: c.2705C>A on transcript NM_000059.4 (MANE Select); coding-DNA position 2705, C replaced by A.
Protein change: p.Ala902Asp; replaces alanine 902 with aspartic acid.
Molecular consequence: missense variant. On other transcripts: non-coding transcript variant (1), intron variant (2).
Genome position (GRCh38, 1-based): chr13:32,337,060, C>A. VCF-style: chr13-32337060-C-A. GRCh37 (hg19) VCF-style: chr13-32911197-C-A.
Other names: c.2705C>A, p.Ala902Asp (NM_001406719.1, NM_001406720.1); c.1909+3673C>A (NM_001406721.1); c.424+6030C>A (NM_001406722.1); short protein forms A902D.
Identifiers: ClinVar variation 2451478 (VCV002451478.5), dbSNP rs749258007, ClinGen allele CA387773514.